The following is an entry in ClinVar:

NM_145698.5(ACBD5):c.1182C>G (p.Phe394Leu)

Gene: ACBD5 (acyl-CoA binding domain containing 5; minus strand). Cytogenetic location: 10p12.1.
Variant type: single nucleotide variant.
Coding change: c.1182C>G on transcript NM_145698.5 (MANE Select); coding-DNA position 1182, C replaced by G.
Protein change: p.Phe394Leu; replaces phenylalanine 394 with leucine.
Molecular consequence: missense variant.
Genome position (GRCh38, 1-based): chr10:27,210,836, G>C on the plus strand (C>G on the coding strand, the complement: ACBD5 is on the minus strand). VCF-style: chr10-27210836-G-C. GRCh37 (hg19) VCF-style: chr10-27499765-G-C.
Other names: c.1077C>G, p.Phe359Leu (NM_001042473.4, NM_001352577.2, NM_001352578.2 and 1 more transcripts); c.1176C>G, p.Phe392Leu (NM_001271512.3); c.855C>G, p.Phe285Leu (NM_001301251.2, NM_001301252.2, NM_001301253.2 and 2 more transcripts); c.651C>G, p.Phe217Leu (NM_001301254.2); c.1236C>G, p.Phe412Leu (NM_001352568.1); c.1215C>G, p.Phe405Leu (NM_001352569.1); c.1182C>G, p.Phe394Leu (NM_001352570.1); c.1209C>G, p.Phe403Leu (NM_001352571.1); and 11 more; short protein forms F285L, F326L, F370L, F387L, F401L, F412L, F291L, F296L.
Identifiers: ClinVar variation 852609 (VCV000852609.10), dbSNP rs775919799, ClinGen allele CA204465298.

ClinVar aggregate classification (germline): Uncertain significance. Review status: criteria provided, multiple submitters, no conflicts (2 of 4 stars). 2 submissions from 2 submitters: Uncertain significance (2). Last evaluated 2022-02-03.

Conditions:
Inborn genetic diseases. Identifiers: MedGen C0950123, MeSH D030342.

Allele frequency attached by ClinVar (database versions not stated): TOPMed 0.00002.
gnomAD v4.1: 4 of 1,614,042 alleles (0.00025%); highest among the groups gnomAD compares: African/African-American, 0.004%; no homozygotes.

Submissions (2):

Labcorp Genetics (formerly Invitae), Labcorp
Classification: Uncertain significance. Last evaluated: 2022-02-03. Review status: criteria provided, single submitter. Criteria: Invitae Variant Classification Sherloc (09022015). Collection method: clinical testing. Allele origin: germline.
Comment: This sequence change replaces phenylalanine, which is neutral and non-polar, with leucine, which is neutral and non-polar, at codon 394 of the ACBD5 protein (p.Phe394Leu). This variant is present in population databases (no rsID available, gnomAD 0.007%). This variant has not been reported in the literature in individuals affected with ACBD5-related conditions. ClinVar contains an entry for this variant (Variation ID: 852609). Algorithms developed to predict the effect of missense changes on protein structure and function output the following: SIFT: "Tolerated"; PolyPhen-2: "Benign"; Align-GVGD: "Class C0". The leucine amino acid residue is found in multiple mammalian species, which suggests that this missense change does not adversely affect protein function. In summary, the available evidence is currently insufficient to determine the role of this variant in disease. Therefore, it has been classified as a Variant of Uncertain Significance.

Ambry Genetics
Classification: Uncertain significance for Inborn genetic diseases. Last evaluated: 2021-12-06. Review status: criteria provided, single submitter. Criteria: Ambry Variant Classification Scheme 2023. Collection method: clinical testing. Allele origin: germline.